The following is an entry in ClinVar:

ClinVar aggregate classification (germline): Likely pathogenic (1 of 4 stars; one submission).

Conditions:
NDUFS1-related disorder. Also called: NDUFS1-related condition.

Submission:

PreventionGenetics, part of Exact Sciences
Classification: Likely pathogenic for NDUFS1-related condition. Last evaluated: 2023-04-20. Review status: criteria provided, single submitter. Criteria: ACMG Guidelines, 2015. Collection method: clinical testing. Allele origin: germline.
Comment: The NDUFS1 c.1773_1774dupGA variant is predicted to result in a frameshift and premature protein termination (p.Lys592Argfs*18). To our knowledge, this variant has not been reported in the literature or in a large population database, indicating this variant is rare. Frameshift variants in NDUFS1 are expected to be pathogenic. This variant is interpreted as likely pathogenic.

NM_005006.7(NDUFS1):c.1773_1774dup (p.Lys592fs)

Gene: NDUFS1 (NADH:ubiquinone oxidoreductase core subunit S1; minus strand). Cytogenetic location: 2q33.3.
Variant type: Microsatellite.
Coding change: c.1773_1774dup on transcript NM_005006.7 (MANE Select); coding-DNA positions 1773 to 1774, 2 bases duplicated (GA; older notation c.1773_1774dupGA).
Protein change: p.Lys592fs; shifts the reading frame from lysine 592.
Molecular consequence: frameshift variant.
Genome position (GRCh38, 1-based): chr2:206,127,907-206,127,908, TC duplicated on the plus strand (GA on the coding strand, the reverse complement: NDUFS1 is on the minus strand); duplicating any 2 consecutive bases within chr2:206,127,907-206,127,911 gives the same sequence; the c. name uses the placement nearest the transcript's 3' end. VCF-style (leftmost placement, unchanged base first): chr2-206127906-T-TTC. GRCh37 (hg19) VCF-style: chr2-206992630-T-TTC.
Other names: c.1665_1666dup, p.Lys556fs (NM_001199981.2); c.1440_1441dup, p.Lys481fs (NM_001199982.2); c.1602_1603dup, p.Lys535fs (NM_001199983.2); c.1815_1816dup, p.Lys606fs (NM_001199984.2); short protein forms K481fs, K535fs, K556fs, K592fs, K606fs.
Identifiers: ClinVar variation 2630234 (VCV002630234.1), dbSNP rs2470000841, ClinGen allele CA2695197008.